The following is an entry in ClinVar:

ClinVar aggregate classification (germline): Likely pathogenic (1 of 4 stars; one submission).

Submission:

Labcorp Genetics (formerly Invitae), Labcorp
Classification: Likely pathogenic. Last evaluated: 2025-09-08. Review status: criteria provided, single submitter. Criteria: Invitae Variant Classification Sherloc (09022015). Collection method: clinical testing. Allele origin: germline.
Comment: This sequence change affects a donor splice site in intron 5 of the SLC12A6 gene. It is expected to disrupt RNA splicing. Variants that disrupt the donor or acceptor splice site typically lead to a loss of protein function (PMID: 16199547), and loss-of-function variants in SLC12A6 are known to be pathogenic (PMID: 12368912, 16606917). This variant is not present in population databases (gnomAD no frequency). This variant has not been reported in the literature in individuals affected with SLC12A6-related conditions. ClinVar contains an entry for this variant (Variation ID: 3002864). Algorithms developed to predict the effect of sequence changes on RNA splicing suggest that this variant may disrupt the consensus splice site. In summary, the currently available evidence indicates that the variant is pathogenic, but additional data are needed to prove that conclusively. Therefore, this variant has been classified as Likely Pathogenic.

Literature cited by the submitters: PubMed 16199547; PubMed 12368912; PubMed 16606917.

NM_001365088.1(SLC12A6):c.690+1G>T

Genes: SLC12A6 (solute carrier family 12 member 6; minus strand), LOC129390683 (MPRA-validated peak2292 silencer; plus strand). Cytogenetic location: 15q14.
Variant type: single nucleotide variant.
Coding change: c.690+1G>T on transcript NM_001365088.1 (MANE Select); the canonical splice donor site of the intron after coding-DNA position 690, G replaced by T.
Molecular consequence: splice donor variant.
Genome position (GRCh38, 1-based): chr15:34,257,641, C>A on the plus strand (G>T on the coding strand, the complement: SLC12A6 is on the minus strand). VCF-style: chr15-34257641-C-A. GRCh37 (hg19) VCF-style: chr15-34549842-C-A.
Other names: c.513+1G>T (NM_001042495.2, NM_001042494.2); c.663+1G>T (NM_001042496.2); c.645+1G>T (NM_001042497.2); c.690+1G>T (NM_133647.2); c.537+1G>T (NM_005135.2).
Identifiers: ClinVar variation 3002864 (VCV003002864.3), dbSNP rs2509832183, ClinGen allele CA391611564.